The following is an entry in ClinVar:

NM_003062.4(SLIT3):c.1804C>T (p.Arg602Cys)

Gene: SLIT3 (slit guidance ligand 3; minus strand). Cytogenetic location: 5q34.
Variant type: single nucleotide variant.
Coding change: c.1804C>T on transcript NM_003062.4 (MANE Select); coding-DNA position 1804, C replaced by T.
Protein change: p.Arg602Cys; replaces arginine 602 with cysteine.
Molecular consequence: missense variant.
Genome position (GRCh38, 1-based): chr5:168,753,889, G>A on the plus strand (C>T on the coding strand, the complement: SLIT3 is on the minus strand). VCF-style: chr5-168753889-G-A. GRCh37 (hg19) VCF-style: chr5-168180894-G-A.
Other names: c.1804C>T, p.Arg602Cys (NM_001271946.2); short protein forms R602C.
Identifiers: ClinVar variation 3047539 (VCV003047539.2), dbSNP rs577365804, ClinGen allele CA3551521.

ClinVar aggregate classification (germline): Likely benign (0 of 4 stars; one submission).

Conditions:
SLIT3-related disorder. Also called: SLIT3-related condition.

Allele frequency attached by ClinVar (database versions not stated): gnomAD exomes 0.00006; gnomAD 0.00010; TOPMed 0.00010; 1000 Genomes Project 30x 0.00016; 1000 Genomes Project 0.00020; ExAC 0.00023.
gnomAD v4.1: 117 of 1,611,602 alleles (0.0073%); highest among the groups gnomAD compares: East Asian, 0.12%; no homozygotes.

Submission:

PreventionGenetics, part of Exact Sciences
Classification: Likely benign for SLIT3-related condition. Last evaluated: 2022-03-18. Review status: no assertion criteria provided. Collection method: clinical testing. Allele origin: germline.
Comment: This variant is classified as likely benign based on ACMG/AMP sequence variant interpretation guidelines (Richards et al. 2015 PMID: 25741868, with internal and published modifications).